The following is an entry in ClinVar:

ClinVar aggregate classification (germline): Pathogenic. Review status: criteria provided, single submitter (1 of 4 stars). 2 submissions from 2 submitters: Pathogenic (1). 1 of the submissions does not count toward it. Last evaluated 2024-02-14.

Conditions:
Granulomatous disease, chronic, X-linked. Also called: CYTOCHROME b-NEGATIVE GRANULOMATOUS DISEASE, CHRONIC, X-LINKED; GRANULOMATOUS DISEASE, CHRONIC, X-LINKED, SOMATIC MOSAIC. Identifiers: Orphanet 379, MedGen C1844376, MONDO:0010600, OMIM 306400.

Submissions (2):

Labcorp Genetics (formerly Invitae), Labcorp
Classification: Pathogenic for Granulomatous disease, chronic, X-linked. Last evaluated: 2024-02-14. Review status: criteria provided, single submitter. Criteria: Invitae Variant Classification Sherloc (09022015). Collection method: clinical testing. Allele origin: germline.
Comment: This sequence change replaces histidine, which is basic and polar, with arginine, which is basic and polar, at codon 222 of the CYBB protein (p.His222Arg). This variant is not present in population databases (gnomAD no frequency). This missense change has been observed in individual(s) with chronic granulomatous disease (PMID: 9585602, 10089913, 18546332, 24999735, 29560547). In at least one individual the variant was observed to be de novo. ClinVar contains an entry for this variant (Variation ID: 68403). Advanced modeling of protein sequence and biophysical properties (such as structural, functional, and spatial information, amino acid conservation, physicochemical variation, residue mobility, and thermodynamic stability) performed at Invitae indicates that this missense variant is expected to disrupt CYBB protein function with a positive predictive value of 80%. This variant disrupts the p.His222 amino acid residue in CYBB. Other variant(s) that disrupt this residue have been determined to be pathogenic (PMID: 9585602, 18546332, 29560547). This suggests that this residue is clinically significant, and that variants that disrupt this residue are likely to be disease-causing. For these reasons, this variant has been classified as Pathogenic.

UniProtKB/Swiss-Prot
No classification provided. Review status: no classification provided. Collection method: not provided. Allele origin: not provided. Not counted in ClinVar's aggregate classification.

Literature cited by the submitters: PubMed 9585602 (cited by Labcorp Genetics (formerly Invitae), Labcorp); PubMed 10089913 (cited by Labcorp Genetics (formerly Invitae), Labcorp); PubMed 18546332 (cited by Labcorp Genetics (formerly Invitae), Labcorp); PubMed 24999735 (cited by Labcorp Genetics (formerly Invitae), Labcorp); PubMed 29560547 (cited by Labcorp Genetics (formerly Invitae), Labcorp).

NM_000397.4(CYBB):c.665A>G (p.His222Arg)

Gene: CYBB (cytochrome b-245 beta chain; plus strand). Cytogenetic location: Xp21.1.
Variant type: single nucleotide variant.
Coding change: c.665A>G on transcript NM_000397.4 (MANE Select); coding-DNA position 665, A replaced by G.
Protein change: p.His222Arg; replaces histidine 222 with arginine.
Molecular consequence: missense variant.
Genome position (GRCh38, 1-based): chrX:37,796,132, A>G. VCF-style: chrX-37796132-A-G. GRCh37 (hg19) VCF-style: chrX-37655385-A-G.
Other names: short protein forms H222R.
Identifiers: ClinVar variation 68403 (VCV000068403.7), dbSNP rs151344462, ClinGen allele CA219738.